The following is an entry in ClinVar:

ClinVar aggregate classification (germline): Uncertain significance. Review status: criteria provided, single submitter (1 of 4 stars). 2 submissions from 2 submitters: Uncertain significance (1). 1 of the submissions does not count toward it. Last evaluated 2022-09-27.

Conditions:
Anauxetic dysplasia. Identifiers: Orphanet 93347, MedGen C1846796, MONDO:0011773.
Metaphyseal chondrodysplasia, McKusick type (CHH). Also called: Cartilage-hair hypoplasia; Cartilage-Hair Hypoplasia (CHH). Identifiers: Orphanet 175, MedGen C0220748, MONDO:0009595, OMIM 250250.

Allele frequency attached by ClinVar (database versions not stated): TOPMed 0.00002; gnomAD 0.00003 and 0.00004.
gnomAD v4.1: 22 of 693,092 alleles (0.0032%); highest among the groups gnomAD compares: Admixed American, 0.004%; no homozygotes.

Submissions (2):

Labcorp Genetics (formerly Invitae), Labcorp
Classification: Uncertain significance for Anauxetic dysplasia. Last evaluated: 2022-09-27. Review status: criteria provided, single submitter. Criteria: Invitae Variant Classification Sherloc (09022015). Collection method: clinical testing. Allele origin: germline.
Comment: This variant occurs in the RMRP gene, which encodes an RNA molecule that does not result in a protein product. This variant is present in population databases (no rsID available, gnomAD 0.005%). This variant has not been reported in the literature in individuals affected with RMRP-related conditions. ClinVar contains an entry for this variant (Variation ID: 863601). Experimental studies and prediction algorithms are not available or were not evaluated, and the functional significance of this variant is currently unknown. In summary, the available evidence is currently insufficient to determine the role of this variant in disease. Therefore, it has been classified as a Variant of Uncertain Significance.

Natera, Inc.
Classification: Uncertain significance for Cartilage-hair hypoplasia. Last evaluated: 2020-01-17. Review status: no assertion criteria provided. Collection method: clinical testing. Allele origin: germline. Not counted in ClinVar's aggregate classification.

NR_003051.4(RMRP):n.187C>T

Gene: RMRP (RNA component of mitochondrial RNA processing endoribonuclease; minus strand). Cytogenetic location: 9p13.3.
Variant type: single nucleotide variant.
Genome position: GRCh38 VCF-style: chr9-35657833-G-A. GRCh37 (hg19) VCF-style: chr9-35657830-G-A.
Identifiers: ClinVar variation 863601 (VCV000863601.4), dbSNP rs1051076135, ClinGen allele CA192745577.
Genomic context (GRCh38, chr9:35,657,833, plus strand): 5'-CCGTGTGGTTGGTGCGCGGACACGCACTGCCTGCGTAACTAGAGGGAGCTGACGGATGAC[G>A]CCCCCGCGCCACGCCGCTCAGCGGGATACGCTTCTTGGCGGACTTTGGAGTGGGAAGCGG-3'